The following is an entry in ClinVar:

NM_130384.3(ATRIP):c.2210T>C (p.Phe737Ser)

Genes: ATRIP (ATR interacting protein; plus strand), ATRIP-TREX1 (ATRIP-TREX1 readthrough; plus strand). Cytogenetic location: 3p21.31.
Variant type: single nucleotide variant.
Coding change: c.2210T>C on transcript NM_130384.3 (MANE Select); coding-DNA position 2210, T replaced by C.
Protein change: p.Phe737Ser; replaces phenylalanine 737 with serine.
Molecular consequence: missense variant. On other transcripts: non-coding transcript variant (1).
Genome position (GRCh38, 1-based): chr3:48,464,985, T>C. VCF-style: chr3-48464985-T-C. GRCh37 (hg19) VCF-style: chr3-48506384-T-C.
Other names: c.1829T>C, p.Phe610Ser (NM_001271022.2); c.1931T>C, p.Phe644Ser (NM_001271023.2); c.2129T>C, p.Phe710Ser (NM_032166.4); short protein forms F610S, F644S, F710S, F737S.
Identifiers: ClinVar variation 4867186 (VCV004867186.1).

ClinVar aggregate classification (germline): Uncertain significance (1 of 4 stars; one submission).

Submission:

Ambry Genetics
Classification: Uncertain significance. Last evaluated: 2026-03-16. Review status: criteria provided, single submitter. Criteria: Ambry Variant Classification Scheme 2023. Collection method: clinical testing. Allele origin: germline.
Comment: The p.F737S variant (also known as c.2210T>C), located in coding exon 12 of the ATRIP gene, results from a T to C substitution at nucleotide position 2210. The phenylalanine at codon 737 is replaced by serine, an amino acid with highly dissimilar properties. This amino acid position is conserved. In addition, this alteration is predicted to be deleterious by in silico analysis. Based on the available evidence, the clinical significance of this variant remains unclear.